The following is an entry in ClinVar:

NM_001735.3(C5):c.227A>G (p.Glu76Gly)

Gene: C5 (complement C5; minus strand). Cytogenetic location: 9q33.2.
Variant type: single nucleotide variant.
Coding change: c.227A>G on transcript NM_001735.3 (MANE Select); coding-DNA position 227, A replaced by G.
Protein change: p.Glu76Gly; replaces glutamic acid 76 with glycine.
Molecular consequence: missense variant.
Genome position (GRCh38, 1-based): chr9:121,046,222, T>C on the plus strand (A>G on the coding strand, the complement: C5 is on the minus strand). VCF-style: chr9-121046222-T-C. GRCh37 (hg19) VCF-style: chr9-123808500-T-C.
Other names: c.245A>G, p.Glu82Gly (NM_001317163.2); c.227A>G, p.Glu76Gly (NM_001317164.2); short protein forms E76G, E82G.
Identifiers: ClinVar variation 1403515 (VCV001403515.7), dbSNP rs770633215, ClinGen allele CA5218453.

ClinVar aggregate classification (germline): Uncertain significance (1 of 4 stars; one submission).

Allele frequency attached by ClinVar (database versions not stated): gnomAD exomes below 0.00001; ExAC 0.00001.
gnomAD v4.1: 1 of 1,601,434 alleles (0.000062%); highest among the groups gnomAD compares: Non-Finnish European, 0.000085%; no homozygotes.

Submission:

Labcorp Genetics (formerly Invitae), Labcorp
Classification: Uncertain significance. Last evaluated: 2022-02-10. Review status: criteria provided, single submitter. Criteria: Invitae Variant Classification Sherloc (09022015). Collection method: clinical testing. Allele origin: germline.
Comment: This sequence change replaces glutamic acid, which is acidic and polar, with glycine, which is neutral and non-polar, at codon 76 of the C5 protein (p.Glu76Gly). This variant is present in population databases (rs770633215, gnomAD 0.0009%). This variant has not been reported in the literature in individuals affected with C5-related conditions. Algorithms developed to predict the effect of missense changes on protein structure and function output the following: SIFT: "Tolerated"; PolyPhen-2: "Benign"; Align-GVGD: "Class C0". The glycine amino acid residue is found in multiple mammalian species, which suggests that this missense change does not adversely affect protein function. In summary, the available evidence is currently insufficient to determine the role of this variant in disease. Therefore, it has been classified as a Variant of Uncertain Significance.